The following is an entry in ClinVar:

ClinVar aggregate classification (germline): Uncertain significance (1 of 4 stars; one submission).

Conditions:
SH2B1-related disorder. Also called: SH2B1-related condition.

gnomAD v4.1: 1 of 1,603,110 alleles (0.000062%); highest among the groups gnomAD compares: Non-Finnish European, 0.000085%; no homozygotes.

Submission:

PreventionGenetics, part of Exact Sciences
Classification: Uncertain significance for SH2B1-related condition. Last evaluated: 2025-08-07. Review status: criteria provided, single submitter. Criteria: ACMG Guidelines, 2015. Collection method: clinical testing. Allele origin: germline.
Comment: The SH2B1 c.1499C>G variant is predicted to result in the amino acid substitution p.Pro500Arg. To our knowledge, this variant has not been reported in the literature or in a large population database (gnomAD), indicating this variant is rare. At this time, the clinical significance of this variant is uncertain due to the absence of conclusive functional and genetic evidence.

NM_001387430.1(SH2B1):c.1499C>G (p.Pro500Arg)

Gene: SH2B1 (SH2B adaptor protein 1; plus strand). Cytogenetic location: 16p11.2.
Variant type: single nucleotide variant.
Coding change: c.1499C>G on transcript NM_001387430.1 (MANE Select); coding-DNA position 1499, C replaced by G.
Protein change: p.Pro500Arg; replaces proline 500 with arginine.
Molecular consequence: missense variant.
Genome position (GRCh38, 1-based): chr16:28,871,969, C>G. VCF-style: chr16-28871969-C-G. GRCh37 (hg19) VCF-style: chr16-28883290-C-G.
Other names: c.1499C>G, p.Pro500Arg (NM_001145795.2, NM_001145796.2, NM_001145797.2 and 4 more transcripts); c.491C>G, p.Pro164Arg (NM_001308294.2); short protein forms P164R, P500R.
Identifiers: ClinVar variation 4982903 (VCV004982903.1).